The following is an entry in ClinVar:

NM_004360.3(CDH1):c.48+6_48+7delinsTT

Gene: CDH1 (cadherin 1; plus strand). Cytogenetic location: 16q22.1.
Variant type: Indel.
Coding change: c.48+6_48+7delinsTT on transcript NM_004360.3; bases 6 to 7 of the intron after coding-DNA position 48, CC replaced by TT.
Molecular consequence: intron variant (on NM_004360.5).
Genome position (GRCh38, 1-based): chr16:68,737,469-68,737,470, CC replaced by TT. VCF-style: chr16-68737469-CC-TT. GRCh37 (hg19) VCF-style: chr16-68771372-CC-TT.
Other names: NM_004360.3(CDH1):c.48+6delCCinsTT; c.48+6_48+7delCCinsTT (LRG_301t1); c.-1568+6_-1568+7delinsTT (NM_001317185.2); c.48+6_48+7delinsTT (NM_004360.5, NM_001317184.2); c.-1772+6_-1772+7delinsTT (NM_001317186.2).
Identifiers: ClinVar variation 136068 (VCV000136068.15), dbSNP rs786200947, ClinGen allele CA332838.

ClinVar aggregate classification (germline): Likely benign. Review status: criteria provided, multiple submitters, no conflicts (2 of 4 stars). 5 submissions from 5 submitters: Likely benign (4). 1 of the submissions does not count toward it. Last evaluated 2025-12-02.

Conditions:
Hereditary cancer-predisposing syndrome. Also called: Tumor predisposition; Hereditary neoplastic syndrome; Neoplastic Syndromes, Hereditary; Hereditary Cancer Syndrome. Identifiers: Orphanet 140162, MedGen C0027672, MeSH D009386, MONDO:0015356.
Hereditary diffuse gastric adenocarcinoma (HDGC). Also called: DIFFUSE GASTRIC AND LOBULAR BREAST CANCER SYNDROME. Identifiers: Orphanet 26106, MedGen C1708349, MONDO:0007648, OMIM 137215.

Submissions (5):

Labcorp Genetics (formerly Invitae), Labcorp
Classification: Likely benign for Hereditary diffuse gastric adenocarcinoma. Last evaluated: 2025-12-02. Review status: criteria provided, single submitter. Criteria: Invitae Variant Classification Sherloc (09022015). Collection method: clinical testing. Allele origin: germline.

Myriad Genetics, Inc.
Classification: Likely benign for Hereditary diffuse gastric adenocarcinoma. Last evaluated: 2024-09-10. Review status: criteria provided, single submitter. Criteria: Myriad Autosomal Dominant, Autosomal Recessive and X-Linked Classification Criteria (2023). Collection method: clinical testing. Allele origin: unknown.
Comment: This variant is considered likely benign. This variant is intronic and is not expected to impact mRNA splicing. This variant has been observed at a population frequency that is significantly greater than expected given the associated disease prevalence and penetrance.

GeneDx
Classification: Likely benign. Last evaluated: 2017-03-02. Review status: criteria provided, single submitter. Criteria: GeneDx Variant Classification (06012015). Collection method: clinical testing. Allele origin: germline. Affected: yes.
Comment: This variant is considered likely benign or benign based on one or more of the following criteria: it is a conservative change, it occurs at a poorly conserved position in the protein, it is predicted to be benign by multiple in silico algorithms, and/or has population frequency not consistent with disease.

Color Diagnostics, LLC DBA Color Health
Classification: Likely benign for Hereditary cancer-predisposing syndrome. Last evaluated: 2017-01-10. Review status: criteria provided, single submitter. Criteria: ACMG Guidelines, 2015. Collection method: clinical testing. Allele origin: germline.

Department of Pathology and Laboratory Medicine, Sinai Health System
Classification: Likely benign. Review status: no assertion criteria provided. Collection method: clinical testing. Allele origin: unknown. Affected: yes. Observed: 1 variant allele. Study: The Canadian Open Genetics Repository (COGR). Not counted in ClinVar's aggregate classification.
Comment: The CDH1 c.48+6_48+7delinsTT variant was not identified in the literature nor was it identified in the following databases: MutDB, Zhejiang Colon Cancer Database. The variant was identified in dbSNP (ID: rs786200947) as â€šÃ„ÃºWith Likely benign alleleâ€šÃ„Ã¹, ClinVar (as likely benign by Invitae, Color Genomics, and GeneDx), and Clinvitae (1x as likely benign). The variant was not identified in the following control databases: the 1000 Genomes Project, the NHLBI GO Exome Sequencing Project, the Exome Aggregation Consortium (August 8th 2016), or the Genome Aggregation Database (Feb 27, 2017). The c.48+6_48+7delinsTT variant is located in the 5' splice region but does not affect the invariant +1 and +2 positions. However, positions +3 to +6 are part of the splicing consensus sequence and variants involving these positions sometimes affect splicing. However, in silico or computational prediction software programs (SpliceSiteFinder, MaxEntScan, NNSPLICE, GeneSplicer, HumanSpliceFinder) do not predict a difference in splicing. In summary, based on the above information the clinical significance of this variant cannot be determined with certainty at this time although we would lean towards a more benign role for this variant. This variant is classified as likely benign.